The following is an entry in ClinVar:

NM_000138.5(FBN1):c.2647T>C (p.Trp883Arg)

Gene: FBN1 (fibrillin 1; minus strand). Cytogenetic location: 15q21.1.
Variant type: single nucleotide variant.
Coding change: c.2647T>C on transcript NM_000138.5 (MANE Select); coding-DNA position 2647, T replaced by C.
Protein change: p.Trp883Arg; replaces tryptophan 883 with arginine.
Molecular consequence: missense variant.
Genome position (GRCh38, 1-based): chr15:48,495,153, A>G on the plus strand (T>C on the coding strand, the complement: FBN1 is on the minus strand). VCF-style: chr15-48495153-A-G. GRCh37 (hg19) VCF-style: chr15-48787350-A-G.
Other names: short protein forms W883R.
Identifiers: ClinVar variation 457174 (VCV000457174.11), dbSNP rs1555399150, ClinGen allele CA392332149.

ClinVar aggregate classification (germline): Pathogenic. Review status: criteria provided, multiple submitters, no conflicts (2 of 4 stars). 2 submissions from 2 submitters: Pathogenic (2). Last evaluated 2021-05-06.

Conditions:
Marfan syndrome (MFS). Also called: MARFAN SYNDROME, TYPE I; FBN1-Related Marfan Syndrome; Marfan syndrome type 1; Marfan's syndrome; Marfan syndrome, classic. Identifiers: Orphanet 284963, Orphanet 558, MedGen C0024796, MONDO:0007947, OMIM 154700.
Familial thoracic aortic aneurysm and aortic dissection (TAAD). Also called: Thoracic aortic aneurysms and dissections. Identifiers: Orphanet 91387, MedGen C4707243, MONDO:0019625.

Submissions (2):

Victorian Clinical Genetics Services, Murdoch Childrens Research Institute
Classification: Pathogenic for Marfan syndrome. Last evaluated: 2021-05-06. Review status: criteria provided, single submitter. Criteria: ACMG Guidelines, 2015. Collection method: clinical testing. Allele origin: germline. Inheritance: Autosomal dominant inheritance. Affected: yes.
Comment: Based on the classification scheme VCGS_Germline_v1.3.4, this variant is classified as Pathogenic. Following criteria are met: 0103 - Dominant negative and loss of function are known mechanisms of disease in this gene and are associated with FBN1-related disease. Variants predicted to result in nonsense mediated decay cause loss of function effects, and are more commonly associated with severe Marfan syndrome (MIM#154700). Missense variants with both dominant negative and loss of function effects on protein function, are also associated with causing Marfan syndrome and ectopia lentis (MIM#129600) (OMIM, PMID: 29357934). The exact genotype-phenotype correlation for this gene is still unclear, and is compounded by variable expressivity (GeneReviews). (I) 0108 - This gene is associated with both recessive and dominant disease. Patients with a recessive form of disease have Marfan syndrome, however there are very few reports (OMIM). (I) 0115 - Variants in this gene are known to have variable expressivity. The genotype-phenotype correlations for this gene are unclear, with single variants reported in patients with a range of phenotypes (GeneReviews, OMIM). (I) 0200 - Variant is predicted to result in a missense amino acid change from tryptophan to arginine. (I) 0251 - This variant is heterozygous. (I) 0301 - Variant is absent from gnomAD (both v2 and v3). (SP) 0501 - Missense variant consistently predicted to be damaging by multiple in silico tools or highly conserved with a major amino acid change. (SP) 0600 - Variant is located in the annotated TB domain (PDB). (I) 0705 - No comparable missense variants have previous evidence for pathogenicity. (I) 0802 - This variant has moderate previous evidence of pathogenicity in unrelated individuals. This variant has been previously described once as pathogenic (ClinVar) and also as de novo in one patient with Marfan syndrome (PMID: 28650953). (SP) 0905 - No published segregation evidence has been identified for this variant. (I) 1007 - No published functional evidence has been identified for this variant. (SP) Legend: (SP) - Supporting pathogenic, (I) - Information, (SB) - Supporting benign

Labcorp Genetics (formerly Invitae), Labcorp
Classification: Pathogenic for Marfan syndrome; Familial thoracic aortic aneurysm and aortic dissection. Last evaluated: 2019-12-23. Review status: criteria provided, single submitter. Criteria: Invitae Variant Classification Sherloc (09022015). Collection method: clinical testing. Allele origin: germline.
Comment: For these reasons, this variant has been classified as Pathogenic. Algorithms developed to predict the effect of missense changes on protein structure and function are either unavailable or do not agree on the potential impact of this missense change (SIFT: "Deleterious"; PolyPhen-2: "Probably Damaging"; Align-GVGD: "Class C0"). This variant has been observed in individual(s) with clinical features of Marfan syndrome (PMID: 28650953, Invitae). In at least one individual the variant was observed to be de novo. ClinVar contains an entry for this variant (Variation ID: 457174). This variant is not present in population databases (ExAC no frequency). This sequence change replaces tryptophan with arginine at codon 883 of the FBN1 protein (p.Trp883Arg). The tryptophan residue is highly conserved and there is a moderate physicochemical difference between tryptophan and arginine.

Literature cited by the submitters: PubMed 28650953 (cited by Victorian Clinical Genetics Services, Murdoch Childrens Research Institute and Labcorp Genetics (formerly Invitae), Labcorp); PubMed 29357934 (cited by Victorian Clinical Genetics Services, Murdoch Childrens Research Institute).